The following is an entry in ClinVar:

ClinVar aggregate classification (germline): Conflicting classifications of pathogenicity. Review status: criteria provided, conflicting classifications (1 of 4 stars). 3 submissions from 3 submitters: Uncertain significance (2); Likely benign (1). Last evaluated 2023-03-23.

Conditions:
Hereditary cancer-predisposing syndrome. Also called: Neoplastic Syndromes, Hereditary; Tumor predisposition; Hereditary Cancer Syndrome; Hereditary neoplastic syndrome. Identifiers: Orphanet 140162, MedGen C0027672, MeSH D009386, MONDO:0015356.
Hereditary breast ovarian cancer syndrome. Also called: BRCA1- and BRCA2-Associated Hereditary Breast and Ovarian Cancer; Hereditary breast and ovarian cancer syndrome; Hereditary breast and ovarian cancer; Hereditary breast and ovarian cancer syndrome (HBOC); Breast and ovarian cancer; Hereditary breast and/or ovarian cancer syndrome. Identifiers: Orphanet 145, MedGen C0677776, MeSH D061325, MONDO:0003582. Disease mechanism: loss of function.

Submissions (3):

University of Washington Department of Laboratory Medicine, University of Washington
Classification: Likely benign for Hereditary cancer-predisposing syndrome. Last evaluated: 2023-03-23. Review status: criteria provided, single submitter. Criteria: Dines et al. (Genet Med. 2020). Collection method: curation. Allele origin: germline.
Comment: Missense variant in a coldspot region where missense variants are very unlikely to be pathogenic (PMID:31911673).

BRCA1 coldspot (exon 11 using historical exon numbering). Reclassification based on statistical prior probability

Labcorp Genetics (formerly Invitae), Labcorp
Classification: Uncertain significance for Hereditary breast ovarian cancer syndrome. Last evaluated: 2022-07-18. Review status: criteria provided, single submitter. Criteria: Invitae Variant Classification Sherloc (09022015). Collection method: clinical testing. Allele origin: germline.
Comment: This variant is not present in population databases (gnomAD no frequency). This sequence change replaces leucine, which is neutral and non-polar, with isoleucine, which is neutral and non-polar, at codon 631 of the BRCA1 protein (p.Leu631Ile). This variant has not been reported in the literature in individuals affected with BRCA1-related conditions. In summary, the available evidence is currently insufficient to determine the role of this variant in disease. Therefore, it has been classified as a Variant of Uncertain Significance. Advanced modeling of protein sequence and biophysical properties (such as structural, functional, and spatial information, amino acid conservation, physicochemical variation, residue mobility, and thermodynamic stability) performed at Invitae indicates that this missense variant is not expected to disrupt BRCA1 protein function. ClinVar contains an entry for this variant (Variation ID: 231463).

Ambry Genetics
Classification: Uncertain significance for Hereditary cancer-predisposing syndrome. Last evaluated: 2015-04-21. Review status: criteria provided, single submitter. Criteria: Ambry Variant Classification Scheme 2023. Collection method: clinical testing. Allele origin: germline.
Comment: The p.L631I variant (also known as c.1891C>A and 2010C>A), located in coding exon 9 of the BRCA1 gene, results from a C to A substitution at nucleotide position 1891. The leucine at codon 631 is replaced by isoleucine, an amino acid with highly similar properties. This variant was not reported in population based cohorts in the following databases: Database of Single Nucleotide Polymorphisms (dbSNP), NHLBI Exome Sequencing Project (ESP), and 1000 Genomes Project. In the ESP, this variant was not observed in 6503 samples (13006 alleles) with coverage at this position. To date, this alteration has been detected with an allele frequency of approximately 0.001% (greater than 15000 alleles tested) in our clinical cohort. This amino acid position is not well conserved in available vertebrate species. In addition, the in silico prediction for this alteration is inconclusive. Since supporting evidence is limited at this time, the clinical significance of p.L631I remains unclear.

NM_007294.4(BRCA1):c.1891C>A (p.Leu631Ile)

Gene: BRCA1 (BRCA1 DNA repair associated; minus strand). Cytogenetic location: 17q21.31.
Variant type: single nucleotide variant.
Coding change: c.1891C>A on transcript NM_007294.4 (MANE Select); coding-DNA position 1891, C replaced by A.
Protein change: p.Leu631Ile; replaces leucine 631 with isoleucine.
Molecular consequence: missense variant. On other transcripts: intron variant (137).
Genome position (GRCh38, 1-based): chr17:43,093,640, G>T on the plus strand (C>A on the coding strand, the complement: BRCA1 is on the minus strand). VCF-style: chr17-43093640-G-T. GRCh37 (hg19) VCF-style: chr17-41245657-G-T.
Other names: c.1678C>A, p.Leu560Ile (NM_001407571.1, NM_001407853.1, NM_001407894.1 and 9 more transcripts); c.1891C>A, p.Leu631Ile (NM_001407581.1, NM_001407582.1, NM_001407583.1 and 30 more transcripts); c.1888C>A, p.Leu630Ile (NM_001407587.1, NM_001407590.1, NM_001407591.1 and 22 more transcripts); c.1882C>A, p.Leu628Ile (NM_001407646.1, NM_001407647.1); c.1768C>A, p.Leu590Ile (NM_001407648.1, NM_001407664.1, NM_001407665.1 and 19 more transcripts); c.1765C>A, p.Leu589Ile (NM_001407649.1, NM_001407670.1, NM_001407671.1 and 11 more transcripts); c.1813C>A, p.Leu605Ile (NM_001407653.1, NM_001407654.1, NM_001407655.1 and 4 more transcripts); c.1810C>A, p.Leu604Ile (NM_001407659.1, NM_001407660.1, NM_001407661.1 and 1 more transcripts); and 40 more; short protein forms L631I, L584I, L504I, L560I, L564I, L604I, L463I, L503I.
Identifiers: ClinVar variation 231463 (VCV000231463.14), dbSNP rs876659175, ClinGen allele CA10580644.
Genomic context (GRCh38, chr17:43,093,640, plus strand): 5'-TTATCTCTTCACTGCTAGAACAACTATCAATTTGCAATTCAGTACAATTAGGTGGGCTTA[G>T]ATTTCTACTGACTACTAGTTCAAGCGCATGAATATGCCTGGTAGAAGACTTCCTCCTCAG-3'
Protein context (NP_009225.1, residues 621-641): HALELVVSRN[Leu631Ile]SPPNCTELQI